The following is an entry in ClinVar:

NM_004006.3(DMD):c.5551C>T (p.Gln1851Ter)

Gene: DMD (dystrophin; minus strand). Cytogenetic location: Xp21.1.
Variant type: single nucleotide variant.
Coding change: c.5551C>T on transcript NM_004006.3 (MANE Select); coding-DNA position 5551, C replaced by T.
Protein change: p.Gln1851Ter; replaces glutamine 1851 with a stop codon.
Molecular consequence: nonsense.
Genome position (GRCh38, 1-based): chrX:32,345,978, G>A on the plus strand (C>T on the coding strand, the complement: DMD is on the minus strand). VCF-style: chrX-32345978-G-A. GRCh37 (hg19) VCF-style: chrX-32364095-G-A.
Other names: c.5527C>T, p.Gln1843Ter (NM_000109.4); c.5539C>T, p.Gln1847Ter (NM_004009.3); c.5182C>T, p.Gln1728Ter (NM_004010.3); c.1528C>T, p.Gln510Ter (NM_004011.4); c.1519C>T, p.Gln507Ter (NM_004012.4); short protein forms Q1851*, Q1728*, Q507*, Q1843*, Q1847*, Q510*.
Identifiers: ClinVar variation 11210 (VCV000011210.11), dbSNP rs128625228, ClinGen allele CA341022.
Genomic context (GRCh38, chrX:32,345,978, plus strand): 5'-TATATTATAATTTTAGCTCTAATACCTTGAGAGCATTATGTTTTGTCTGTAACAGCTGCT[G>A]TTTTATCTTTATTTCCTCTCGCTTTCTCTCATCTGTGATTCTTTGTTGTAAGTTGTCTCC-3'

ClinVar aggregate classification (germline): Pathogenic. Review status: criteria provided, multiple submitters, no conflicts (2 of 4 stars). 4 submissions from 4 submitters: Pathogenic (3). 1 of the submissions does not count toward it. Last evaluated 2025-07-10.

Conditions:
Duchenne muscular dystrophy (DMD). Also called: MUSCULAR DYSTROPHY, PSEUDOHYPERTROPHIC PROGRESSIVE, DUCHENNE TYPE; Duchenne Muscular Dystrophy (DMD). Identifiers: Orphanet 98896, MedGen C0013264, MONDO:0010679, OMIM 310200.

Submissions (4):

Labcorp Genetics (formerly Invitae), Labcorp
Classification: Pathogenic for Duchenne muscular dystrophy. Last evaluated: 2025-07-10. Review status: criteria provided, single submitter. Criteria: Invitae Variant Classification Sherloc (09022015). Collection method: clinical testing. Allele origin: germline.
Comment: This sequence change creates a premature translational stop signal (p.Gln1851*) in the DMD gene. It is expected to result in an absent or disrupted protein product. Loss-of-function variants in DMD are known to be pathogenic (PMID: 16770791, 25007885). This variant is not present in population databases (gnomAD no frequency). This premature translational stop signal has been observed in individuals with Duchenne muscular dystrophy (PMID: 1549596, 27593222). ClinVar contains an entry for this variant (Variation ID: 11210). For these reasons, this variant has been classified as Pathogenic.

Neuberg Centre For Genomic Medicine, NCGM
Classification: Pathogenic for Duchenne muscular dystrophy. Last evaluated: 2024-02-01. Review status: criteria provided, single submitter. Criteria: ACMG Guidelines, 2015. Collection method: clinical testing. Allele origin: germline. Inheritance: X-linked recessive inheritance. Affected: yes.
Comment: The above variant has been reported in individuals affected with Duchenne muscular dystrophy (Cho A, et al., 2017). This sequence change creates a premature translational stop signal (p.Gln1851*) in the DMD gene. Loss-of-function variants in DMD are known to be pathogenic (Santos R, et al., 2014). For these reasons, this variant has been classified as Pathogenic

Athena Diagnostics
Classification: Pathogenic for Duchenne muscular dystrophy. Last evaluated: 2015-09-16. Review status: criteria provided, single submitter. Criteria: Athena Diagnostics Criteria. Collection method: clinical testing. Allele origin: germline. Inheritance: X-linked recessive inheritance.
Comment: X-linked recessive inheritance

OMIM
Classification: Pathogenic for DUCHENNE MUSCULAR DYSTROPHY. Last evaluated: 1992-03-15. Review status: no assertion criteria provided. Collection method: literature only. Allele origin: germline. Not counted in ClinVar's aggregate classification.

Literature cited by the submitters: PubMed 16770791 (cited by Labcorp Genetics (formerly Invitae), Labcorp); PubMed 25007885 (cited by Labcorp Genetics (formerly Invitae), Labcorp); PubMed 1549596 (cited by 3 submitters); PubMed 27593222 (cited by Labcorp Genetics (formerly Invitae), Labcorp); PubMed 19760747 (cited by Athena Diagnostics); PubMed 20485447 (cited by Athena Diagnostics).